The following is an entry in ClinVar:

NM_001370595.2(COA8):c.476+63C>T

Gene: COA8 (cytochrome c oxidase assembly factor 8; plus strand). Cytogenetic location: 14q32.33.
Variant type: single nucleotide variant.
Coding change: c.476+63C>T on transcript NM_001370595.2 (MANE Select); 63 bases into the intron after coding-DNA position 476, C replaced by T.
Molecular consequence: intron variant.
Genome position (GRCh38, 1-based): chr14:103,587,427, C>T. VCF-style: chr14-103587427-C-T. GRCh37 (hg19) VCF-style: chr14-104053764-C-T.
Other names: c.515+63C>T (NM_032374.4); c.*30+63C>T (NM_001302653.2).
Identifiers: ClinVar variation 676096 (VCV000676096.2), dbSNP rs2403197, ClinGen allele CA267245594.
Genomic context (GRCh38, chr14:103,587,427, plus strand): 5'-AGGTGTTTACTCTTTTCCTGAAAATTTGAATAGCACATCCAGATTAGGTAGGAGTGTTTT[C>T]TTACCTGAATTTAACAACATTCATGTTTATATCAGAGGTAGAAGTTGCAAGACTTTATCA-3'

ClinVar aggregate classification (germline): Benign. Review status: criteria provided, multiple submitters, no conflicts (2 of 4 stars). 2 submissions from 2 submitters: Benign (2). Last evaluated 2018-06-14.

Allele frequency attached by ClinVar (database versions not stated): 1000 Genomes Project 0.22484; 1000 Genomes Project 30x 0.22580; TOPMed 0.24362; gnomAD 0.25120 and 0.25245; gnomAD exomes 0.28406.

Submissions (2):

GeneDx
Classification: Benign. Last evaluated: 2018-06-14. Review status: criteria provided, single submitter. Criteria: GeneDx Variant Classification (06012015). Collection method: clinical testing. Allele origin: germline. Affected: yes.
Comment: This variant is considered likely benign or benign based on one or more of the following criteria: it is a conservative change, it occurs at a poorly conserved position in the protein, it is predicted to be benign by multiple in silico algorithms, and/or has population frequency not consistent with disease.

Breakthrough Genomics
Classification: Benign. Review status: criteria provided, single submitter. Criteria: ACMG Guidelines, 2015. Collection method: not provided. Allele origin: germline. Inheritance: Autosomal recessive inheritance. Affected: yes.